The following is an entry in ClinVar:

NM_000632.4(ITGAM):c.1637A>G (p.Glu546Gly)

Gene: ITGAM (integrin subunit alpha M; plus strand). Cytogenetic location: 16p11.2.
Variant type: single nucleotide variant.
Coding change: c.1637A>G on transcript NM_000632.4 (MANE Select); coding-DNA position 1637, A replaced by G.
Protein change: p.Glu546Gly; replaces glutamic acid 546 with glycine.
Molecular consequence: missense variant.
Genome position (GRCh38, 1-based): chr16:31,297,884, A>G. VCF-style: chr16-31297884-A-G. GRCh37 (hg19) VCF-style: chr16-31309205-A-G.
Other names: c.1640A>G, p.Glu547Gly (NM_001145808.2); short protein forms E546G, E547G.
Identifiers: ClinVar variation 1510372 (VCV001510372.6), dbSNP rs773521208, ClinGen allele CA8025616.

ClinVar aggregate classification (germline): Uncertain significance (1 of 4 stars; one submission).

Allele frequency attached by ClinVar (database versions not stated): ExAC 0.00001; gnomAD exomes 0.00001 and 0.00002.
gnomAD v4.1: 12 of 1,613,812 alleles (0.00074%); highest among the groups gnomAD compares: South Asian, 0.013%; no homozygotes.

Submission:

Labcorp Genetics (formerly Invitae), Labcorp
Classification: Uncertain significance. Last evaluated: 2021-09-21. Review status: criteria provided, single submitter. Criteria: Invitae Variant Classification Sherloc (09022015). Collection method: clinical testing. Allele origin: germline.
Comment: This sequence change replaces glutamic acid with glycine at codon 546 of the ITGAM protein (p.Glu546Gly). The glutamic acid residue is weakly conserved and there is a moderate physicochemical difference between glutamic acid and glycine. This variant is present in population databases (rs773521208, ExAC 0.006%). This variant has not been reported in the literature in individuals affected with ITGAM-related conditions. Algorithms developed to predict the effect of missense changes on protein structure and function are either unavailable or do not agree on the potential impact of this missense change (SIFT: "Deleterious"; PolyPhen-2: "Benign"; Align-GVGD: "Class C35"). In summary, the available evidence is currently insufficient to determine the role of this variant in disease. Therefore, it has been classified as a Variant of Uncertain Significance.